The following is an entry in ClinVar:

ClinVar aggregate classification (germline): Benign (1 of 4 stars; one submission).

Conditions:
Landau-Kleffner syndrome (FESD). Also called: APHASIA, ACQUIRED, WITH EPILEPSY; EPILEPSY, FOCAL, WITH SPEECH DISORDER AND WITH OR WITHOUT MENTAL RETARDATION. Identifiers: Orphanet 1945, Orphanet 725, Orphanet 98818, MedGen C0282512, MONDO:0009509, OMIM 245570.

Allele frequency attached by ClinVar (database versions not stated): gnomAD 0.00299 and 0.00278; 1000 Genomes Project 30x 0.00312; 1000 Genomes Project 0.00319; gnomAD exomes 0.00058; TOPMed 0.00318.
gnomAD v4.1: 449 of 202,120 alleles (0.22%); highest among the groups gnomAD compares: African/African-American, 0.98%; 3 homozygotes.

Submission:

Illumina Laboratory Services, Illumina
Classification: Benign for Landau-Kleffner syndrome. Last evaluated: 2018-01-13. Review status: criteria provided, single submitter. Criteria: ICSL Variant Classification Criteria 13 December 2019. Collection method: clinical testing. Allele origin: germline.
Comment: This variant was observed in the ICSL laboratory as part of a predisposition screen in an ostensibly healthy population. It had not been previously curated by ICSL or reported in the Human Gene Mutation Database (HGMD: prior to June 1st, 2018), and was therefore a candidate for classification through an automated scoring system. Utilizing variant allele frequency, disease prevalence and penetrance estimates, and inheritance mode, an automated score was calculated to assess if this variant is too frequent to cause the disease. Based on the score and internal cut-off values, a variant classified as benign is not then subjected to further curation. The score for this variant resulted in a classification of benign for this disease.

NM_001134407.3(GRIN2A):c.*7326C>T

Gene: GRIN2A (glutamate ionotropic receptor NMDA type subunit 2A; minus strand). Cytogenetic location: 16p13.2.
Variant type: single nucleotide variant.
Coding change: c.*7326C>T on transcript NM_001134407.3 (MANE Select); 7326 bases downstream of the stop codon, C replaced by T.
Molecular consequence: 3 prime UTR variant.
Genome position (GRCh38, 1-based): chr16:9,755,823, G>A on the plus strand (C>T on the coding strand, the complement: GRIN2A is on the minus strand). VCF-style: chr16-9755823-G-A. GRCh37 (hg19) VCF-style: chr16-9849680-G-A.
Other names: c.*7326C>T (NM_000833.5); c.*7532C>T (NM_001134408.2).
Identifiers: ClinVar variation 885004 (VCV000885004.4), dbSNP rs142407415, ClinGen allele CA277528489.
Genomic context (GRCh38, chr16:9,755,823, plus strand): 5'-GTTCCAGTTCAACACTCTTCAGTGGGACAGAATAACCGTCATTATCCTAATGCTAAGTGA[G>A]CCGGGAATTATCTCTAAGACAATTTGGAAAAGAAAAAAAAAAAGGAACAGACCAAGAAGG-3'